The following continues an entry in ClinVar:

NM_000329.3(RPE65):c.65T>C (p.Leu22Pro)

Gene: RPE65. ClinVar aggregate classification (germline): Pathogenic. Pathogenic (1).

Submissions 8 to 13 of 13:

Laboratory for Molecular Medicine, Mass General Brigham Personalized Medicine
Classification: Likely pathogenic for Leber congenital amaurosis. Last evaluated: 2022-06-30. Review status: criteria provided, single submitter. Criteria: ACMG Guidelines, 2015. Collection method: clinical testing. Allele origin: germline. Not counted in ClinVar's aggregate classification.
Comment: The p.Leu22Pro variant in RPE65 has been reported in 5 compound heterozygous individuals with Leber's Congenital Amaurosis (Marlhens 1998 PMID: 9801879, Simonelli 2007 PMID: 17724218, Roberts 2009, Sallum 2020 PMID: 32865313, Invitae pers. comm.). It has also been identified in 0.007% (3/41392) of African chromosomes by gnomAD v. 3. This variant has also been reported in ClinVar (Variation ID 98888). Computational prediction tools and conservation analyses suggest that this variant may impact the protein, though this information is not predictive enough to determine pathogenicity. In vitro functional studies provide some evidence that this variant impacts protein expression (Lorenz 2008 PMID: 18599565, Li 2014 PMID: 24849605); however, these types of assays may not accurately represent biological function. In summary, although additional studies are required to fully establish its clinical significance, this variant meets criteria to be classified as likely pathogenic for autosomal recessive Leber's Congenital Amaurosis. ACMG/AMP Criteria applied: PM3, PS3_Moderate, PM2_Supporting, PP3.

Women's Health and Genetics/Laboratory Corporation of America, LabCorp
Classification: Pathogenic for Leber congenital amaurosis. Last evaluated: 2022-03-28. Review status: criteria provided, single submitter. Criteria: LabCorp Variant Classification Summary - May 2015. Collection method: clinical testing. Allele origin: germline. Not counted in ClinVar's aggregate classification.
Comment: Variant summary: RPE65 c.65T>C (p.Leu22Pro) results in a non-conservative amino acid change in the encoded protein sequence. Three of five in-silico tools predict a damaging effect of the variant on protein function. The variant allele was found at a frequency of 2.8e-05 in 251322 control chromosomes. c.65T>C has been reported in the literature as a homozygous and compound heterozygous genotypes in individuals with inherited retinal degeneration/retinal dystrophy/Leber Congenital Amaurosis (example, Marlhens_1998, Hamel_2001, Sallum_2020, Tests_2022). These data indicate that the variant is very likely to be associated with disease. At least one publication reports experimental evidence evaluating an impact on protein function (Jin_2016). The most pronounced variant effect results in <10% of normal Retinoid isomerase activity in vitro. Three clinical diagnostic laboratories have submitted clinical-significance assessments for this variant to ClinVar after 2014 without evidence for independent evaluation. All laboratories classified the variant as pathogenic. Based on the evidence outlined above, the variant was classified as pathogenic.

CeGaT Center for Human Genetics Tuebingen
Classification: Pathogenic. Last evaluated: 2017-08-01. Review status: criteria provided, single submitter. Criteria: CeGaT Center For Human Genetics Tuebingen Variant Classification Criteria Version 2. Collection method: clinical testing. Allele origin: germline. Affected: yes. Observed: 1 variant allele. Not counted in ClinVar's aggregate classification.

Neuberg Centre For Genomic Medicine, NCGM
Classification: Pathogenic for Leber congenital amaurosis 2. Review status: criteria provided, single submitter. Criteria: ACMG Guidelines, 2015. Collection method: clinical testing. Allele origin: germline. Inheritance: Autosomal recessive inheritance. Affected: yes. Not counted in ClinVar's aggregate classification.
Comment: The c.65T>C(p.Leu22Pro) missense variant in RPE65 gene has been reported in the literature as a homozygous and compound heterozygous genotypes in individuals with inherited retinal degeneration/retinal dystrophy/Leber Congenital Amaurosis (Sallum et al., 2020; Testa et al., 2022). Experimental studies have shown that this variant has an impact on protein function (Jin et al., 2016). This variant is reported with the allele frequency (0.002%) in the gnomAD and novel in 1000 genome database. It has been submitted to ClinVar as a Pathogenic variant. The amino acid Leu at position 22 is changed to a Pro changing protein sequence and it might alter its composition and physico-chemical properties. The amino acid change p.Leu22Pro in RPE65 is predicted as conserved by GERP++ and PhyloP across 100 vertebrates. For these reasons, this variant has been classified as Pathogenic.

Laboratory of Genetics in Ophthalmology, Institut Imagine
Classification: Likely pathogenic for Leber congenital amaurosis 2. Review status: no assertion criteria provided. Collection method: research. Allele origin: inherited. Affected: yes. Observed: 1 variant allele. Not counted in ClinVar's aggregate classification.

Retina International
No classification provided. Review status: no classification provided. Collection method: not provided. Allele origin: not provided. Not counted in ClinVar's aggregate classification.

Literature cited by the submitters: PubMed 9801879 (cited by 3 submitters); PubMed 17724218 (cited by Labcorp Genetics (formerly Invitae), Labcorp and Natera, Inc.); PubMed 18599565 (cited by Labcorp Genetics (formerly Invitae), Labcorp and Natera, Inc.); PubMed 24849605 (cited by Labcorp Genetics (formerly Invitae), Labcorp and Natera, Inc.); PubMed 26427455 (cited by Labcorp Genetics (formerly Invitae), Labcorp and Women's Health and Genetics/Laboratory Corporation of America, LabCorp); PubMed 28127548 (cited by Natera, Inc.); PubMed 38002999 (cited by Natera, Inc.); PubMed 37322672 (cited by Natera, Inc.); PubMed 35129589 (cited by Natera, Inc. and Women's Health and Genetics/Laboratory Corporation of America, LabCorp); PubMed 38927562 (cited by Natera, Inc.); PubMed 32865313 (cited by Women's Health and Genetics/Laboratory Corporation of America, LabCorp); PubMed 11264131 (cited by Women's Health and Genetics/Laboratory Corporation of America, LabCorp).